The following is an entry in ClinVar:

NM_000038.6(APC):c.71G>A (p.Arg24Gln)

Gene: APC (APC regulator of Wnt signaling pathway; plus strand). Cytogenetic location: 5q22.2.
Variant type: single nucleotide variant.
Coding change: c.71G>A on transcript NM_000038.6 (MANE Select); coding-DNA position 71, G replaced by A.
Protein change: p.Arg24Gln; replaces arginine 24 with glutamine.
Molecular consequence: missense variant. On other transcripts: 5 prime UTR variant (1), intron variant (8).
Genome position (GRCh38, 1-based): chr5:112,754,961, G>A. VCF-style: chr5-112754961-G-A. GRCh37 (hg19) VCF-style: chr5-112090658-G-A.
Other names: c.71G>A, p.Arg24Gln (NM_001127510.3, NM_001354895.2, NM_001354896.2 and 2 more transcripts); c.-965G>A (NM_001354906.2); c.166-11365G>A (NM_001354897.2, NM_001354902.2, NM_001127511.3); c.61-11365G>A (NM_001354898.2, NM_001354904.2); c.-42-11365G>A (NM_001354900.2, NM_001354901.2, NM_001354905.2); short protein forms R24Q.
Identifiers: ClinVar variation 236642 (VCV000236642.11), dbSNP rs878853469, ClinGen allele CA10582272.
Genomic context (GRCh38, chr5:112,754,961, plus strand): 5'-CTTCATATGATCAGTTGTTAAAGCAAGTTGAGGCACTGAAGATGGAGAACTCAAATCTTC[G>A]ACAAGAGCTAGAAGATAATTCCAATCATCTTACAAAACTGGAAACTGAGGCATCTAATAT-3'
Protein context (NP_000029.2, residues 14-34): EALKMENSNL[Arg24Gln]QELEDNSNHL

ClinVar aggregate classification (germline): Uncertain significance. Review status: criteria provided, multiple submitters, no conflicts (2 of 4 stars). 5 submissions from 5 submitters: Uncertain significance (5). Last evaluated 2025-08-18.

Conditions:
Classic or attenuated familial adenomatous polyposis. Identifiers: MedGen CN372698, MONDO:0021057.
Hereditary cancer-predisposing syndrome. Also called: Hereditary neoplastic syndrome; Hereditary Cancer Syndrome; Neoplastic Syndromes, Hereditary; Tumor predisposition. Identifiers: Orphanet 140162, MedGen C0027672, MeSH D009386, MONDO:0015356.
Familial adenomatous polyposis 1 (FAP1). Also called: FAMILIAL ADENOMATOUS POLYPOSIS 1, ATTENUATED; POLYPOSIS, ADENOMATOUS INTESTINAL. Identifiers: MedGen C2713442, MONDO:0021056, OMIM 175100. Disease mechanism: loss of function.

Allele frequency attached by ClinVar (database versions not stated): gnomAD exomes below 0.00001; TOPMed 0.00001.
gnomAD v4.1: 5 of 1,613,688 alleles (0.00031%); highest among the groups gnomAD compares: Admixed American, 0.0017%; no homozygotes.

Submissions (5):

Labcorp Genetics (formerly Invitae), Labcorp
Classification: Uncertain significance for Familial adenomatous polyposis 1. Last evaluated: 2025-08-18. Review status: criteria provided, single submitter. Criteria: Invitae Variant Classification Sherloc (09022015). Collection method: clinical testing. Allele origin: germline.
Comment: This sequence change replaces arginine, which is basic and polar, with glutamine, which is neutral and polar, at codon 24 of the APC protein (p.Arg24Gln). This variant is present in population databases (no rsID available, gnomAD no frequency). This variant has not been reported in the literature in individuals affected with APC-related conditions. ClinVar contains an entry for this variant (Variation ID: 236642). Invitae Evidence Modeling of protein sequence and biophysical properties (such as structural, functional, and spatial information, amino acid conservation, physicochemical variation, residue mobility, and thermodynamic stability) indicates that this missense variant is not expected to disrupt APC protein function with a negative predictive value of 95%. In summary, the available evidence is currently insufficient to determine the role of this variant in disease. Therefore, it has been classified as a Variant of Uncertain Significance.

Color Diagnostics, LLC DBA Color Health
Classification: Uncertain significance for Hereditary cancer-predisposing syndrome. Last evaluated: 2025-07-30. Review status: criteria provided, single submitter. Criteria: ACMG Guidelines, 2015. Collection method: clinical testing. Allele origin: germline.
Comment: This missense variant replaces arginine with glutamine at codon 24 of the APC protein. Computational prediction suggests that this variant may not impact protein structure and function. To our knowledge, functional studies have not been reported for this variant. This variant has not been reported in individuals affected with APC-related disorders in the literature. This variant has been identified in 1/251240 chromosomes in the general population by the Genome Aggregation Database (gnomAD). The available evidence is insufficient to determine the role of this variant in disease conclusively. Therefore, this variant is classified as a Variant of Uncertain Significance.

GeneDx
Classification: Uncertain significance. Last evaluated: 2024-10-08. Review status: criteria provided, single submitter. Criteria: GeneDx Variant Classification Process June 2021. Collection method: clinical testing. Allele origin: germline. Affected: yes.
Comment: Not observed at significant frequency in large population cohorts (gnomAD); In silico analysis supports that this missense variant has a deleterious effect on protein structure/function; Has not been previously published as pathogenic or benign to our knowledge; This variant is associated with the following publications: (PMID: 18199528)

Ambry Genetics
Classification: Uncertain significance for Hereditary cancer-predisposing syndrome. Last evaluated: 2024-03-28. Review status: criteria provided, single submitter. Criteria: Ambry Variant Classification Scheme 2023. Collection method: clinical testing. Allele origin: germline.
Comment: The p.R24Q variant (also known as c.71G>A), located in coding exon 1 of the APC gene, results from a G to A substitution at nucleotide position 71. The arginine at codon 24 is replaced by glutamine, an amino acid with highly similar properties. This amino acid position is highly conserved in available vertebrate species. In addition, in silico predictors for this gene do not accurately predict pathogenicity. Based on the available evidence, the clinical significance of this alteration remains unclear.

All of Us Research Program, National Institutes of Health
Classification: Uncertain significance for Classic or attenuated familial adenomatous polyposis. Last evaluated: 2023-06-26. Review status: criteria provided, single submitter. Criteria: ACMG Guidelines, 2015. Collection method: clinical testing. Allele origin: germline. Inheritance: Autosomal dominant inheritance. Observed: 1 variant allele, 1 heterozygote.
Comment: This missense variant replaces arginine with glutamine at codon 24 of the APC protein. Computational prediction tool suggests that this variant may not impact protein structure and function (internally defined REVEL score threshold <=0.5, PMID: 27666373). Splice site prediction tools suggest that this variant may not impact RNA splicing. To our knowledge, functional studies have not been performed for this variant. This variant has not been reported in individuals affected with hereditary cancer in the literature. This variant has been identified in 1/251240 chromosomes in the general population by the Genome Aggregation Database (gnomAD). The available evidence is insufficient to determine the role of this variant in disease conclusively. Therefore, this variant is classified as a Variant of Uncertain Significance.

This study involves interpretation of variants in research participants for the purpose of population health screening. Participant phenotype was not available at the time of variant classification. Additional details can be found in publication PMID: 35346344, PMCID: PMC8962531